The following is an entry in ClinVar:

ClinVar aggregate classification (germline): Likely benign (1 of 4 stars; one submission).

Allele frequency attached by ClinVar (database versions not stated): ExAC 0.00001.
gnomAD v4.1: 4 of 1,607,500 alleles (0.00025%); highest among the groups gnomAD compares: African/African-American, 0.0013%; no homozygotes.

Submission:

CeGaT Center for Human Genetics Tuebingen
Classification: Likely benign. Last evaluated: 2024-01-01. Review status: criteria provided, single submitter. Criteria: CeGaT Center For Human Genetics Tuebingen Variant Classification Criteria Version 2. Collection method: clinical testing. Allele origin: germline. Affected: yes. Observed: 1 variant allele.
Comment: STARD7: BP4

NM_020151.4(STARD7):c.123C>T (p.Ile41=)

Genes: STARD7 (StAR related lipid transfer domain containing 7; minus strand), LOC129934328 (ATAC-STARR-seq lymphoblastoid silent region 11757; plus strand). Cytogenetic location: 2q11.2.
Variant type: single nucleotide variant.
Coding change: c.123C>T on transcript NM_020151.4 (MANE Select); coding-DNA position 123, C replaced by T.
Protein change: p.Ile41=; no amino-acid change (isoleucine 41 retained).
Molecular consequence: synonymous variant. On other transcripts: intron variant (1).
Genome position (GRCh38, 1-based): chr2:96,208,312, G>A on the plus strand (C>T on the coding strand, the complement: STARD7 is on the minus strand). VCF-style: chr2-96208312-G-A. GRCh37 (hg19) VCF-style: chr2-96874050-G-A.
Other names: c.-14+227C>T (NM_001385622.1).
Identifiers: ClinVar variation 3026810 (VCV003026810.22), dbSNP rs768859533, ClinGen allele CA1777125.
Genomic context (GRCh38, chr2:96,208,312, plus strand): 5'-GAGGCGGCCGAGGAGAACGCGGCGTGAGCTCTCGGAGTAGAGGCGGCCGTAGAGCTGCGC[G>A]ATCTGCTGCGCGCGCCGCACGCGCAGGCCCGTGACGAAGCGGCACTGATTGGCCAGAAGC-3'
Protein context (NP_064536.2, residues 31-51): TGLRVRRAQQ[Ile41=]AQLYGRLYSE